The following is an entry in ClinVar:

ClinVar aggregate classification (germline): Uncertain significance (1 of 4 stars; one submission).

Conditions:
Hereditary cancer-predisposing syndrome. Also called: Hereditary neoplastic syndrome; Neoplastic Syndromes, Hereditary; Tumor predisposition; Hereditary Cancer Syndrome. Identifiers: Orphanet 140162, MedGen C0027672, MeSH D009386, MONDO:0015356.

Submission:

Ambry Genetics
Classification: Uncertain significance for Hereditary cancer-predisposing syndrome. Last evaluated: 2025-08-06. Review status: criteria provided, single submitter. Criteria: Ambry Variant Classification Scheme 2023. Collection method: clinical testing. Allele origin: germline.
Comment: The p.R444W variant (also known as c.1330A>T), located in coding exon 11 of the PMS2 gene, results from an A to T substitution at nucleotide position 1330. The arginine at codon 444 is replaced by tryptophan, an amino acid with dissimilar properties. This amino acid position is conserved. In addition, this alteration is predicted to be tolerated by in silico analysis. Based on the available evidence, the clinical significance of this variant remains unclear.

NM_000535.7(PMS2):c.1330A>T (p.Arg444Trp)

Gene: PMS2 (PMS1 homolog 2, mismatch repair system component; minus strand). Cytogenetic location: 7p22.1.
Variant type: single nucleotide variant.
Coding change: c.1330A>T on transcript NM_000535.7 (MANE Select); coding-DNA position 1330, A replaced by T.
Protein change: p.Arg444Trp; replaces arginine 444 with tryptophan.
Molecular consequence: missense variant. On other transcripts: intron variant (1), non-coding transcript variant (1).
Genome position (GRCh38, 1-based): chr7:5,987,435, T>A on the plus strand (A>T on the coding strand, the complement: PMS2 is on the minus strand). VCF-style: chr7-5987435-T-A. GRCh37 (hg19) VCF-style: chr7-6027066-T-A.
Other names: c.804-4444A>T (NM_001406912.1); c.817A>T, p.Arg273Trp (NM_001406905.1, NM_001406904.1); c.769A>T, p.Arg257Trp (NM_001406906.1, NM_001406907.1, NM_001322010.2); c.925A>T, p.Arg309Trp (NM_001406908.1, NM_001406910.1, NM_001322003.2 and 16 more transcripts); c.757A>T, p.Arg253Trp (NM_001406909.1, NM_001322013.2); c.559A>T, p.Arg187Trp (NM_001406911.1); c.1174A>T, p.Arg392Trp (NM_001322006.2, NM_001406870.1); c.1012A>T, p.Arg338Trp (NM_001322007.2, NM_001322008.2, NM_001406876.1 and 2 more transcripts); and 13 more; short protein forms R253W, R378W, R408W, R338W, R388W, R133W, R257W, R286W.
Identifiers: ClinVar variation 4140508 (VCV004140508.1).